The following is an entry in ClinVar:

NM_004415.4(DSP):c.3656C>A (p.Thr1219Asn)

Gene: DSP (desmoplakin; plus strand). Cytogenetic location: 6p24.3.
Variant type: single nucleotide variant.
Coding change: c.3656C>A on transcript NM_004415.4 (MANE Select); coding-DNA position 3656, C replaced by A.
Protein change: p.Thr1219Asn; replaces threonine 1219 with asparagine.
Molecular consequence: missense variant. On other transcripts: intron variant (1).
Genome position (GRCh38, 1-based): chr6:7,579,846, C>A. VCF-style: chr6-7579846-C-A. GRCh37 (hg19) VCF-style: chr6-7580079-C-A.
Other names: c.3656C>A, p.Thr1219Asn (NM_001319034.2); c.3582+74C>A (NM_001008844.3); short protein forms T1219N.
Identifiers: ClinVar variation 3224225 (VCV003224225.2), dbSNP rs2533925127, ClinGen allele CA362684562.
Genomic context (GRCh38, chr6:7,579,846, plus strand): 5'-ATAATGAGGAGATGAGTAATTTAAGGAACAAGTATGAAACAGAGATTAACATTACGAAGA[C>A]CACCATCAAGGAGATATCCATGCAAAAAGAGGATGATTCCAAAAATCTTAGAAACCAGCT-3'
Protein context (NP_004406.2, residues 1209-1229): KYETEINITK[Thr1219Asn]TIKEISMQKE

ClinVar aggregate classification (germline): Uncertain significance. Review status: criteria provided, multiple submitters, no conflicts (2 of 4 stars). 2 submissions from 2 submitters: Uncertain significance (2). Last evaluated 2024-08-06.

Conditions:
Cardiovascular phenotype. Identifiers: MedGen CN230736.
Arrhythmogenic cardiomyopathy with wooly hair and keratoderma. Also called: PALMOPLANTAR KERATODERMA WITH LEFT VENTRICULAR CARDIOMYOPATHY AND WOOLLY HAIR; Carvajal syndrome; Dilated cardiomyopathy with woolly hair and keratoderma; Arrhythmogenic cardiomyopathy with woolly hair and keratoderma. Identifiers: Orphanet 65282, MedGen C1854063, MONDO:0011581, OMIM 605676.

Submissions (2):

All of Us Research Program, National Institutes of Health
Classification: Uncertain significance for Arrhythmogenic cardiomyopathy with wooly hair and keratoderma. Last evaluated: 2024-08-06. Review status: criteria provided, single submitter. Criteria: ACMG Guidelines, 2015. Collection method: clinical testing. Allele origin: germline. Inheritance: Autosomal dominant inheritance. Observed: 1 variant allele, 1 heterozygote.
Comment: This study involves interpretation of variants in research participants for the purpose of population health screening. Participant phenotype was not available at the time of variant classification. Additional details can be found in publication PMID: 35346344, PMCID: PMC8962531

Ambry Genetics
Classification: Uncertain significance for Cardiovascular phenotype. Last evaluated: 2023-12-22. Review status: criteria provided, single submitter. Criteria: Ambry Variant Classification Scheme 2023. Collection method: clinical testing. Allele origin: germline.
Comment: The p.T1219N variant (also known as c.3656C>A), located in coding exon 23 of the DSP gene, results from a C to A substitution at nucleotide position 3656. The threonine at codon 1219 is replaced by asparagine, an amino acid with similar properties. This amino acid position is conserved. In addition, the in silico prediction for this alteration is inconclusive. Since supporting evidence is limited at this time, the clinical significance of this alteration remains unclear.